The following is an entry in ClinVar:

NM_001165963.4(SCN1A):c.2486A>T (p.Gln829Leu)

Gene: SCN1A (sodium voltage-gated channel alpha subunit 1; minus strand). Cytogenetic location: 2q24.3.
Variant type: single nucleotide variant.
Coding change: c.2486A>T on transcript NM_001165963.4 (MANE Select); coding-DNA position 2486, A replaced by T.
Protein change: p.Gln829Leu; replaces glutamine 829 with leucine.
Molecular consequence: missense variant. On other transcripts: non-coding transcript variant (1).
Genome position (GRCh38, 1-based): chr2:166,039,526, T>A on the plus strand (A>T on the coding strand, the complement: SCN1A is on the minus strand). VCF-style: chr2-166039526-T-A. GRCh37 (hg19) VCF-style: chr2-166896036-T-A.
Other names: c.2486A>T (NM_001202435.1); c.2402A>T, p.Gln801Leu (NM_001165964.3, NM_001353957.2, NM_001353958.2); c.2486A>T, p.Gln829Leu (NM_001202435.3, NM_001353948.2); c.2453A>T, p.Gln818Leu (NM_001353949.2, NM_001353950.2, NM_001353951.2 and 2 more transcripts); c.2450A>T, p.Gln817Leu (NM_001353954.2, NM_001353955.2); c.2399A>T, p.Gln800Leu (NM_001353960.2); c.44A>T, p.Gln15Leu (NM_001353961.2); short protein forms Q817L, Q818L, Q829L, Q801L, Q15L, Q800L.
Identifiers: ClinVar variation 662644 (VCV000662644.16), dbSNP rs1299251889, ClinGen allele CA349062634.

ClinVar aggregate classification (germline): Uncertain significance. Review status: criteria provided, multiple submitters, no conflicts (2 of 4 stars). 4 submissions from 4 submitters: Uncertain significance (4). Last evaluated 2025-05-11.

Conditions:
SCN1A-related disorder. Also called: SCN1A-related disorders; SCN1A-related conditions; SCN1A-related condition.
Early-infantile DEE. Also called: Early infantile epileptic encephalopathy; Ohtahara syndrome; Early infantile epileptic encephalopathy with suppression bursts. Identifiers: Orphanet 1934, MedGen C0393706, MONDO:0800491.

Allele frequency attached by ClinVar (database versions not stated): gnomAD 0.00001; TOPMed 0.00002.
gnomAD v4.1: 3 of 1,613,816 alleles (0.00019%); highest among the groups gnomAD compares: Non-Finnish European, 0.00025%; no homozygotes.

Submissions (4):

Labcorp Genetics (formerly Invitae), Labcorp
Classification: Uncertain significance for Early-infantile DEE. Last evaluated: 2025-05-11. Review status: criteria provided, single submitter. Criteria: Invitae Variant Classification Sherloc (09022015). Collection method: clinical testing. Allele origin: germline.
Comment: This sequence change replaces glutamine, which is neutral and polar, with leucine, which is neutral and non-polar, at codon 829 of the SCN1A protein (p.Gln829Leu). This variant is not present in population databases (gnomAD no frequency). This variant has not been reported in the literature in individuals affected with SCN1A-related conditions. ClinVar contains an entry for this variant (Variation ID: 662644). Invitae Evidence Modeling of protein sequence and biophysical properties (such as structural, functional, and spatial information, amino acid conservation, physicochemical variation, residue mobility, and thermodynamic stability) indicates that this missense variant is expected to disrupt SCN1A protein function with a positive predictive value of 95%. In summary, the available evidence is currently insufficient to determine the role of this variant in disease. Therefore, it has been classified as a Variant of Uncertain Significance.

PreventionGenetics, part of Exact Sciences
Classification: Uncertain significance for SCN1A-related condition. Last evaluated: 2023-03-14. Review status: criteria provided, single submitter. Criteria: ACMG Guidelines, 2015. Collection method: clinical testing. Allele origin: germline.
Comment: The SCN1A c.2486A>T variant is predicted to result in the amino acid substitution p.Gln829Leu. To our knowledge, this variant has not been reported in the literature or in a large population database, indicating this variant is rare. At this time, the clinical significance of this variant is uncertain due to the absence of conclusive functional and genetic evidence.

GeneDx
Classification: Uncertain significance. Last evaluated: 2022-08-09. Review status: criteria provided, single submitter. Criteria: GeneDx Variant Classification Process June 2021. Collection method: clinical testing. Allele origin: germline. Affected: yes.
Comment: Not observed at significant frequency in large population cohorts (gnomAD); Missense variants in this gene are often considered pathogenic (HGMD); In silico analysis supports that this missense variant has a deleterious effect on protein structure/function; In silico analysis suggests this variant may impact gene splicing. In the absence of RNA/functional studies, the actual effect of this sequence change is unknown.; Has not been previously published as pathogenic or benign to our knowledge; This substitution is predicted to be within the intracellular loop between the S2 and S3 transmembrane segments of the second homologous domain

Mayo Clinic Laboratories, Mayo Clinic
Classification: Uncertain significance. Last evaluated: 2020-02-10. Review status: criteria provided, single submitter. Criteria: ACMG Guidelines, 2015. Collection method: clinical testing. Allele origin: germline. Observed: 1 variant allele.